The following is an entry in ClinVar:

ClinVar aggregate classification (germline): Uncertain significance. Review status: criteria provided, multiple submitters, no conflicts (2 of 4 stars). 4 submissions from 4 submitters: Uncertain significance (4). Last evaluated 2025-09-10.

Conditions:
Hereditary nonpolyposis colorectal neoplasms. Identifiers: MedGen C0009405, MeSH D003123.
Hereditary cancer-predisposing syndrome. Also called: Hereditary neoplastic syndrome; Tumor predisposition; Neoplastic Syndromes, Hereditary; Hereditary Cancer Syndrome. Identifiers: Orphanet 140162, MedGen C0027672, MeSH D009386, MONDO:0015356.

Submissions (4):

Labcorp Genetics (formerly Invitae), Labcorp
Classification: Uncertain significance for Hereditary nonpolyposis colorectal neoplasms. Last evaluated: 2025-09-10. Review status: criteria provided, single submitter. Criteria: Invitae Variant Classification Sherloc (09022015). Collection method: clinical testing. Allele origin: germline.
Comment: This sequence change replaces leucine, which is neutral and non-polar, with isoleucine, which is neutral and non-polar, at codon 1114 of the MSH6 protein (p.Leu1114Ile). This variant is not present in population databases (gnomAD no frequency). This variant has not been reported in the literature in individuals affected with MSH6-related conditions. ClinVar contains an entry for this variant (Variation ID: 418914). Invitae Evidence Modeling of protein sequence and biophysical properties (such as structural, functional, and spatial information, amino acid conservation, physicochemical variation, residue mobility, and thermodynamic stability) indicates that this missense variant is not expected to disrupt MSH6 protein function with a negative predictive value of 95%. In summary, the available evidence is currently insufficient to determine the role of this variant in disease. Therefore, it has been classified as a Variant of Uncertain Significance.

Color Diagnostics, LLC DBA Color Health
Classification: Uncertain significance for Hereditary cancer-predisposing syndrome. Last evaluated: 2023-12-05. Review status: criteria provided, single submitter. Criteria: ACMG Guidelines, 2015. Collection method: clinical testing. Allele origin: germline.
Comment: This missense variant replaces leucine with isoleucine at codon 1114 of the MSH6 protein. Computational prediction suggests that this variant may not impact protein structure and function (internally defined REVEL score threshold <= 0.5, PMID: 27666373). To our knowledge, functional studies have not been reported for this variant. This variant has not been reported in individuals affected with MSH6-related disorders in the literature. This variant has not been identified in the general population by the Genome Aggregation Database (gnomAD). The available evidence is insufficient to determine the role of this variant in disease conclusively. Therefore, this variant is classified as a Variant of Uncertain Significance.

Ambry Genetics
Classification: Uncertain significance for Hereditary cancer-predisposing syndrome. Last evaluated: 2017-07-19. Review status: criteria provided, single submitter. Criteria: Ambry Variant Classification Scheme 2023. Collection method: clinical testing. Allele origin: germline.
Comment: The p.L1114I variant (also known as c.3340C>A), located in coding exon 5 of the MSH6 gene, results from a C to A substitution at nucleotide position 3340. The leucine at codon 1114 is replaced by isoleucine, an amino acid with highly similar properties. This amino acid position is well conserved through mammals but not in all available vertebrate species. In addition, this alteration is predicted to be tolerated by in silico analysis. Since supporting evidence is limited at this time, the clinical significance of this alteration remains unclear.

GeneDx
Classification: Uncertain significance. Last evaluated: 2015-04-22. Review status: criteria provided, single submitter. Criteria: GeneDx Variant Classification (06012015). Collection method: clinical testing. Allele origin: germline. Affected: yes.
Comment: This variant is denoted MSH6 c.3340C>A at the cDNA level, p.Leu1114Ile (L1114I) at the protein level, and results in the change of a Leucine to an Isoleucine (CTA>ATA). This variant has not, to our knowledge, been published in the literature as pathogenic or benign. MSH6 Leu1114Ile was not observed in approximately 6,500 individuals of European and African American ancestry in the NHLBI Exome Sequencing Project, indicating it is not a common benign variant in these populations. Since Leucine and Isoleucine share similar properties, this is considered a conservative amino acid substitution. MSH6 Leu1114Ile occurs at a position that is conserved through mammals and is located in the MutS domain (Terui 2013). In silico analyses are inconsistent regarding the effect this variant may have on protein structure and function. Based on currently available information, it is unclear whether MSH6 Leu1114Ile is pathogenic or benign. We consider it to be a variant of uncertain significance.

NM_000179.3(MSH6):c.3340C>A (p.Leu1114Ile)

Gene: MSH6 (mutS homolog 6; plus strand). Cytogenetic location: 2p16.3.
Variant type: single nucleotide variant.
Coding change: c.3340C>A on transcript NM_000179.3 (MANE Select); coding-DNA position 3340, C replaced by A.
Protein change: p.Leu1114Ile; replaces leucine 1114 with isoleucine.
Molecular consequence: missense variant.
Genome position (GRCh38, 1-based): chr2:47,803,587, C>A. VCF-style: chr2-47803587-C-A. GRCh37 (hg19) VCF-style: chr2-48030726-C-A.
Other names: c.2950C>A, p.Leu984Ile (NM_001281492.2); c.2434C>A, p.Leu812Ile (NM_001281493.2, NM_001281494.2); short protein forms L1114I, L812I, L984I.
Identifiers: ClinVar variation 418914 (VCV000418914.13), dbSNP rs1064793520, ClinGen allele CA16617699.